The following is an entry in ClinVar:

NM_021252.5(RAB18):c.*2302A>G

Gene: RAB18 (RAB18, member RAS oncogene family; plus strand). Cytogenetic location: 10p12.1.
Variant type: single nucleotide variant.
Coding change: c.*2302A>G on transcript NM_021252.5 (MANE Select); 2302 bases downstream of the stop codon, A replaced by G.
Molecular consequence: 3 prime UTR variant. On other transcripts: non-coding transcript variant (1).
Genome position (GRCh38, 1-based): chr10:27,540,353, A>G. VCF-style: chr10-27540353-A-G. GRCh37 (hg19) VCF-style: chr10-27829282-A-G.
Other names: c.*2302A>G (NM_001256410.2, NM_001256412.2); c.*2262A>G (NM_001256411.2).
Identifiers: ClinVar variation 879202 (VCV000879202.4), dbSNP rs190504134, ClinGen allele CA5452539.
Genomic context (GRCh38, chr10:27,540,353, plus strand): 5'-ACAATGTAGGTATGTTAGGTAACCCCCAAAGATCACATAGCTACTCAGTCACTGAGCTGG[A>G]TTCCAGTCATGGCATTTTTACTTCTGAGCCCATACTCTTCACCATCGCTCATTTTACAAT-3'

ClinVar aggregate classification (germline): Likely benign (1 of 4 stars; one submission).

Conditions:
Warburg micro syndrome 3 (WARBM3). Also called: MICRO SYNDROME 3. Identifiers: Orphanet 2510, MedGen C3280203, MONDO:0013638, OMIM 614222.

Allele frequency attached by ClinVar (database versions not stated): ExAC below 0.00001; gnomAD 0.00027 and 0.00034; gnomAD exomes 0.00034 and 0.00083; TOPMed 0.00054; 1000 Genomes Project 30x 0.00219; 1000 Genomes Project 0.00260.
gnomAD v4.1: 159 of 454,072 alleles (0.035%); highest among the groups gnomAD compares: East Asian, 0.85%; 2 homozygotes.

Submission:

Illumina Laboratory Services, Illumina
Classification: Likely benign for Warburg micro syndrome 3. Last evaluated: 2018-01-13. Review status: criteria provided, single submitter. Criteria: ICSL Variant Classification Criteria 13 December 2019. Collection method: clinical testing. Allele origin: germline.
Comment: This variant was observed in the ICSL laboratory as part of a predisposition screen in an ostensibly healthy population. It had not been previously curated by ICSL or reported in the Human Gene Mutation Database (HGMD: prior to June 1st, 2018), and was therefore a candidate for classification through an automated scoring system. Utilizing variant allele frequency, disease prevalence and penetrance estimates, and inheritance mode, an automated score was calculated to assess if this variant is too frequent to cause the disease. Based on the score and internal cut-off values, a variant classified as likely benign is not then subjected to further curation. The score for this variant resulted in a classification of likely benign for this disease.